The following is an entry in ClinVar:

NM_001077653.2(TBX20):c.238C>G (p.Leu80Val)

Gene: TBX20 (T-box transcription factor 20; minus strand). Cytogenetic location: 7p14.2.
Variant type: single nucleotide variant.
Coding change: c.238C>G on transcript NM_001077653.2 (MANE Select); coding-DNA position 238, C replaced by G.
Protein change: p.Leu80Val; replaces leucine 80 with valine.
Molecular consequence: missense variant.
Genome position (GRCh38, 1-based): chr7:35,250,093, G>C on the plus strand (C>G on the coding strand, the complement: TBX20 is on the minus strand). VCF-style: chr7-35250093-G-C. GRCh37 (hg19) VCF-style: chr7-35289705-G-C.
Other names: c.238C>G, p.Leu80Val (NM_001166220.1); short protein forms L80V.
Identifiers: ClinVar variation 1434689 (VCV001434689.11), dbSNP rs1790274874, ClinGen allele CA367265197.

ClinVar aggregate classification (germline): Uncertain significance. Review status: criteria provided, multiple submitters, no conflicts (2 of 4 stars). 3 submissions from 3 submitters: Uncertain significance (3). Last evaluated 2025-08-06.

Conditions:
Cardiovascular phenotype. Identifiers: MedGen CN230736.

Allele frequency attached by ClinVar (database versions not stated): gnomAD exomes below 0.00001; TOPMed below 0.00001.
gnomAD v4.1: 1 of 1,613,854 alleles (0.000062%); highest among the groups gnomAD compares: African/African-American, 0.0013%; no homozygotes.

Submissions (3):

Labcorp Genetics (formerly Invitae), Labcorp
Classification: Uncertain significance. Last evaluated: 2025-08-06. Review status: criteria provided, single submitter. Criteria: Invitae Variant Classification Sherloc (09022015). Collection method: clinical testing. Allele origin: germline.
Comment: This sequence change replaces leucine, which is neutral and non-polar, with valine, which is neutral and non-polar, at codon 80 of the TBX20 protein (p.Leu80Val). This variant is not present in population databases (gnomAD no frequency). This variant has not been reported in the literature in individuals affected with TBX20-related conditions. ClinVar contains an entry for this variant (Variation ID: 1434689). Invitae Evidence Modeling of protein sequence and biophysical properties (such as structural, functional, and spatial information, amino acid conservation, physicochemical variation, residue mobility, and thermodynamic stability) indicates that this missense variant is not expected to disrupt TBX20 protein function with a negative predictive value of 80%. In summary, the available evidence is currently insufficient to determine the role of this variant in disease. Therefore, it has been classified as a Variant of Uncertain Significance.

Ambry Genetics
Classification: Uncertain significance for Cardiovascular phenotype. Last evaluated: 2019-03-07. Review status: criteria provided, single submitter. Criteria: Ambry Variant Classification Scheme 2023. Collection method: clinical testing. Allele origin: germline.
Comment: The p.L80V variant (also known as c.238C>G), located in coding exon 2 of the TBX20 gene, results from a C to G substitution at nucleotide position 238. The leucine at codon 80 is replaced by valine, an amino acid with highly similar properties. This amino acid position is highly conserved in available vertebrate species. In addition, this alteration is predicted to be tolerated by in silico analysis. Since supporting evidence is limited at this time, the clinical significance of this alteration remains unclear.

Blueprint Genetics
Classification: Uncertain significance. Last evaluated: 2019-01-18. Review status: criteria provided, single submitter. Criteria: ACMG Guidelines, 2015. Collection method: clinical testing. Allele origin: germline.